The following is an entry in ClinVar:

ClinVar aggregate classification (germline): Uncertain significance (1 of 4 stars; one submission).

Submission:

Labcorp Genetics (formerly Invitae), Labcorp
Classification: Uncertain significance. Last evaluated: 2022-12-07. Review status: criteria provided, single submitter. Criteria: Invitae Variant Classification Sherloc (09022015). Collection method: clinical testing. Allele origin: germline.
Comment: In summary, the available evidence is currently insufficient to determine the role of this variant in disease. Therefore, it has been classified as a Variant of Uncertain Significance. Algorithms developed to predict the effect of missense changes on protein structure and function output the following: SIFT: "Tolerated"; PolyPhen-2: "Benign"; Align-GVGD: "Class C0". The lysine amino acid residue is found in multiple mammalian species, which suggests that this missense change does not adversely affect protein function. This variant has not been reported in the literature in individuals affected with ALPK3-related conditions. This variant is not present in population databases (gnomAD no frequency). This sequence change replaces glutamic acid, which is acidic and polar, with lysine, which is basic and polar, at codon 2 of the ALPK3 protein (p.Glu2Lys).

NC_000015.10:g.84816850G>A

Gene: ALPK3 (alpha kinase 3; plus strand). Cytogenetic location: 15q25.3.
Variant type: single nucleotide variant.
Genome position: GRCh38 VCF-style: chr15-84816850-G-A. GRCh37 (hg19) VCF-style: chr15-85360081-G-A.
Identifiers: ClinVar variation 2819201 (VCV002819201.3), dbSNP rs2505687816, ClinGen allele CA393367836.
Genomic context (GRCh38, chr15:84,816,850, plus strand): 5'-GGGGAGACAGGAGAGAGATCCCACGGGGTTCCGGCCTCCCAGGGACTCAGGTCACTAATG[G>A]AGGTGGCTTGGCTTGTCTATGTGCTGGGCCAACAGCCACTGGCGAGGCAAGGCGAGGGTC-3'